The following is an entry in ClinVar:

ClinVar aggregate classification (germline): Uncertain significance (1 of 4 stars; one submission).

Conditions:
Tall stature-scoliosis-macrodactyly of the great toes syndrome. Also called: Epiphyseal chondrodysplasia, miura type. Identifiers: Orphanet 329191, MedGen C4014690, MONDO:0014401, OMIM 615923.
Acromesomelic dysplasia 1, Maroteaux type (AMD1). Also called: ST. HELENA DYSPLASIA; ACROMESOMELIC DYSPLASIA 1. Identifiers: Orphanet 40, MedGen C1864356, MONDO:0011275, OMIM 602875.

Submission:

Labcorp Genetics (formerly Invitae), Labcorp
Classification: Uncertain significance for Tall stature-scoliosis-macrodactyly of the great toes syndrome; Acromesomelic dysplasia 1, Maroteaux type. Last evaluated: 2024-07-13. Review status: criteria provided, single submitter. Criteria: Invitae Variant Classification Sherloc (09022015). Collection method: clinical testing. Allele origin: germline.
Comment: This sequence change replaces isoleucine, which is neutral and non-polar, with phenylalanine, which is neutral and non-polar, at codon 736 of the NPR2 protein (p.Ile736Phe). This variant is not present in population databases (gnomAD no frequency). This variant has not been reported in the literature in individuals affected with NPR2-related conditions. An algorithm developed to predict the effect of missense changes on protein structure and function (PolyPhen-2) suggests that this variant is likely to be disruptive. In summary, the available evidence is currently insufficient to determine the role of this variant in disease. Therefore, it has been classified as a Variant of Uncertain Significance.

NM_003995.4(NPR2):c.2206A>T (p.Ile736Phe)

Gene: NPR2 (natriuretic peptide receptor 2; plus strand). Cytogenetic location: 9p13.3.
Variant type: single nucleotide variant.
Coding change: c.2206A>T on transcript NM_003995.4 (MANE Select); coding-DNA position 2206, A replaced by T.
Protein change: p.Ile736Phe; replaces isoleucine 736 with phenylalanine.
Molecular consequence: missense variant.
Genome position (GRCh38, 1-based): chr9:35,806,067, A>T. VCF-style: chr9-35806067-A-T. GRCh37 (hg19) VCF-style: chr9-35806064-A-T.
Other names: c.2215A>T, p.Ile739Phe (NM_001378923.1); short protein forms I736F, I739F.
Identifiers: ClinVar variation 3757185 (VCV003757185.2).
Genomic context (GRCh38, chr9:35,806,067, plus strand): 5'-ACAGCCTCTTCTTCCTGGGGGAACTCTGTTCTTCATCCAAACCTTTGATCACCCTCAGAG[A>T]TTGTCCAGAAGGTACGAAATGGTCAGCGGCCATATTTCCGGCCAAGCATTGACCGGACCC-3'
Protein context (NP_003986.2, residues 726-746): LEGLDLSPKE[Ile736Phe]VQKVRNGQRP